The following is an entry in ClinVar:

NM_001793.6(CDH3):c.1568A>G (p.Asn523Ser)

Gene: CDH3 (cadherin 3; plus strand). Cytogenetic location: 16q22.1.
Variant type: single nucleotide variant.
Coding change: c.1568A>G on transcript NM_001793.6 (MANE Select); coding-DNA position 1568, A replaced by G.
Protein change: p.Asn523Ser; replaces asparagine 523 with serine.
Molecular consequence: missense variant.
Genome position (GRCh38, 1-based): chr16:68,685,348, A>G. VCF-style: chr16-68685348-A-G. GRCh37 (hg19) VCF-style: chr16-68719251-A-G.
Other names: c.1568A>G (NM_001793.5); c.1568A>G, p.Asn523Ser (NM_001317195.3); c.1403A>G, p.Asn468Ser (NM_001317196.2); short protein forms N468S, N523S.
Identifiers: ClinVar variation 1166074 (VCV001166074.12), dbSNP rs191805535, ClinGen allele CA8129391.
Genomic context (GRCh38, chr16:68,685,348, plus strand): 5'-GTGAGGATGAGCAGTTTGTGAGGAACAACATCTATGAAGTCATGGTCTTGGCCATGGACA[A>G]TGGTGAGAGCATCCTCCCAGCCCTCCCACAAGGGCCACTTTTGGTTCTCAGGTCACATGA-3'
Protein context (NP_001784.2, residues 513-533): IYEVMVLAMD[Asn523Ser]GSPPTTGTGT

ClinVar aggregate classification (germline): Benign/Likely benign. Review status: criteria provided, multiple submitters, no conflicts (2 of 4 stars). 3 submissions from 3 submitters: Benign (1); Likely benign (1). 1 of the submissions does not count toward it. Last evaluated 2026-01-27.

Conditions:
CDH3-related disorder. Also called: CDH3-related condition.

Allele frequency attached by ClinVar (database versions not stated): TOPMed 0.00006; 1000 Genomes Project 30x 0.00016; 1000 Genomes Project 0.00020; gnomAD exomes 0.00021 and 0.00048; gnomAD 0.00022 and 0.00024; ExAC 0.00076.
gnomAD v4.1: 355 of 1,613,996 alleles (0.022%); highest among the groups gnomAD compares: Non-Finnish European, 0.018%; 2 homozygotes.

Submissions (3):

Labcorp Genetics (formerly Invitae), Labcorp
Classification: Benign. Last evaluated: 2026-01-27. Review status: criteria provided, single submitter. Criteria: Invitae Variant Classification Sherloc (09022015). Collection method: clinical testing. Allele origin: germline.

Blueprint Genetics
Classification: Likely benign. Last evaluated: 2024-11-21. Review status: criteria provided, single submitter. Criteria: ACMG Guidelines, 2015. Collection method: clinical testing. Allele origin: germline.

PreventionGenetics, part of Exact Sciences
Classification: Likely benign for CDH3-related condition. Last evaluated: 2022-03-24. Review status: no assertion criteria provided. Collection method: clinical testing. Allele origin: germline. Not counted in ClinVar's aggregate classification.
Comment: This variant is classified as likely benign based on ACMG/AMP sequence variant interpretation guidelines (Richards et al. 2015 PMID: 25741868, with internal and published modifications).